The following is an entry in ClinVar:

ClinVar aggregate classification (germline): Likely benign. Review status: criteria provided, multiple submitters, no conflicts (2 of 4 stars). 3 submissions from 3 submitters: Likely benign (3). Last evaluated 2025-12-23.

Conditions:
Catecholaminergic polymorphic ventricular tachycardia 1. Also called: VENTRICULAR TACHYCARDIA, CATECHOLAMINERGIC POLYMORPHIC, 1, WITH OR WITHOUT ATRIAL DYSFUNCTION AND/OR DILATED CARDIOMYOPATHY; VENTRICULAR TACHYCARDIA, STRESS-INDUCED POLYMORPHIC 1; RYR2-Related Catecholaminergic Polymorphic Ventricular Tachycardia. Identifiers: Orphanet 3286, MedGen C1631597, MONDO:0011484, OMIM 604772.

Allele frequency attached by ClinVar (database versions not stated): TOPMed 0.00016.
gnomAD v4.1: 105 of 1,576,938 alleles (0.0067%); highest among the groups gnomAD compares: Admixed American, 0.12%; no homozygotes.

Submissions (3):

Labcorp Genetics (formerly Invitae), Labcorp
Classification: Likely benign for Catecholaminergic polymorphic ventricular tachycardia 1. Last evaluated: 2025-12-23. Review status: criteria provided, single submitter. Criteria: Invitae Variant Classification Sherloc (09022015). Collection method: clinical testing. Allele origin: germline.

Blueprint Genetics
Classification: Likely benign. Last evaluated: 2022-08-09. Review status: criteria provided, single submitter. Criteria: ACMG Guidelines, 2015. Collection method: clinical testing. Allele origin: germline.

GeneDx
Classification: Likely benign. Last evaluated: 2017-10-02. Review status: criteria provided, single submitter. Criteria: GeneDx Variant Classification (06012015). Collection method: clinical testing. Allele origin: germline. Affected: yes.
Comment: This variant is considered likely benign or benign based on one or more of the following criteria: it is a conservative change, it occurs at a poorly conserved position in the protein, it is predicted to be benign by multiple in silico algorithms, and/or has population frequency not consistent with disease.

NM_006073.4(TRDN):c.1106-19G>T

Gene: TRDN (triadin; minus strand). Cytogenetic location: 6q22.31.
Variant type: single nucleotide variant.
Coding change: c.1106-19G>T on transcript NM_006073.4 (MANE Select); 19 bases into the intron before coding-DNA position 1106, G replaced by T.
Molecular consequence: intron variant.
Genome position (GRCh38, 1-based): chr6:123,388,570, C>A on the plus strand (G>T on the coding strand, the complement: TRDN is on the minus strand). VCF-style: chr6-123388570-C-A. GRCh37 (hg19) VCF-style: chr6-123709715-C-A.
Other names: c.1109-19G>T (NM_001251987.2).
Identifiers: ClinVar variation 512462 (VCV000512462.10), dbSNP rs754623877, ClinGen allele CA3984122.